The following is an entry in ClinVar:

NM_001127715.4(STXBP5):c.3375G>C (p.Met1125Ile)

Gene: STXBP5 (syntaxin binding protein 5; plus strand). Cytogenetic location: 6q24.3.
Variant type: single nucleotide variant.
Coding change: c.3375G>C on transcript NM_001127715.4 (MANE Select); coding-DNA position 3375, G replaced by C.
Protein change: p.Met1125Ile; replaces methionine 1125 with isoleucine.
Molecular consequence: missense variant.
Genome position (GRCh38, 1-based): chr6:147,382,959, G>C. VCF-style: chr6-147382959-G-C. GRCh37 (hg19) VCF-style: chr6-147704095-G-C.
Other names: c.3327G>C, p.Met1109Ile (NM_001394409.1); c.3267G>C, p.Met1089Ile (NM_139244.6); short protein forms M1089I, M1109I, M1125I.
Identifiers: ClinVar variation 2632504 (VCV002632504.3), dbSNP rs781505319, ClinGen allele CA366204969.

ClinVar aggregate classification (germline): Uncertain significance (0 of 4 stars; one submission).

Conditions:
STXBP5-related disorder. Also called: STXBP5-related condition.

Submission:

PreventionGenetics, part of Exact Sciences
Classification: Uncertain significance for STXBP5-related condition. Last evaluated: 2024-01-19. Review status: no assertion criteria provided. Collection method: clinical testing. Allele origin: germline.
Comment: The STXBP5 c.3375G>C variant is predicted to result in the amino acid substitution p.Met1125Ile. To our knowledge, this variant has not been reported in the literature or in a large population database, indicating this variant is rare. At this time, the clinical significance of this variant is uncertain due to the absence of conclusive functional and genetic evidence.